The following is an entry in ClinVar:

ClinVar aggregate classification (germline): Uncertain significance (1 of 4 stars; one submission).

Submission:

Ambry Genetics
Classification: Uncertain significance. Last evaluated: 2026-01-01. Review status: criteria provided, single submitter. Criteria: Ambry Variant Classification Scheme 2023. Collection method: clinical testing. Allele origin: germline.
Comment: The p.G1063R variant (also known as c.3187G>A), located in coding exon 1 of the MLH3 gene, results from a G to A substitution at nucleotide position 3187. The glycine at codon 1063 is replaced by arginine, an amino acid with dissimilar properties. This amino acid position is conserved. In addition, this alteration is predicted to be deleterious by in silico analysis. Based on the available evidence, the clinical significance of this variant remains unclear.

NM_001040108.2(MLH3):c.3187G>A (p.Gly1063Arg)

Gene: MLH3 (mutL homolog 3; minus strand). Cytogenetic location: 14q24.3.
Variant type: single nucleotide variant.
Coding change: c.3187G>A on transcript NM_001040108.2 (MANE Select); coding-DNA position 3187, G replaced by A.
Protein change: p.Gly1063Arg; replaces glycine 1063 with arginine.
Molecular consequence: missense variant.
Genome position (GRCh38, 1-based): chr14:75,046,469, C>T on the plus strand (G>A on the coding strand, the complement: MLH3 is on the minus strand). VCF-style: chr14-75046469-C-T. GRCh37 (hg19) VCF-style: chr14-75513172-C-T.
Other names: c.3187G>A, p.Gly1063Arg (NM_014381.3); short protein forms G1063R.
Identifiers: ClinVar variation 4844339 (VCV004844339.1).